The following is an entry in ClinVar:

NM_018052.5(VAC14):c.520G>C (p.Val174Leu)

Gene: VAC14 (VAC14 component of PIKFYVE complex; minus strand). Cytogenetic location: 16q22.1.
Variant type: single nucleotide variant.
Coding change: c.520G>C on transcript NM_018052.5 (MANE Select); coding-DNA position 520, G replaced by C.
Protein change: p.Val174Leu; replaces valine 174 with leucine.
Molecular consequence: missense variant. On other transcripts: 5 prime UTR variant (1).
Genome position (GRCh38, 1-based): chr16:70,784,187, C>G on the plus strand (G>C on the coding strand, the complement: VAC14 is on the minus strand). VCF-style: chr16-70784187-C-G. GRCh37 (hg19) VCF-style: chr16-70818090-C-G.
Other names: c.-183G>C (NM_001351157.2); short protein forms V174L.
Identifiers: ClinVar variation 1967739 (VCV001967739.5), dbSNP rs147298983, ClinGen allele CA8148042.

ClinVar aggregate classification (germline): Uncertain significance (1 of 4 stars; one submission).

Allele frequency attached by ClinVar (database versions not stated): gnomAD exomes below 0.00001; ExAC 0.00001; gnomAD 0.00001; ESP Exome Variant Server 0.00008.
gnomAD v4.1: 3 of 1,614,034 alleles (0.00019%); highest among the groups gnomAD compares: Non-Finnish European, 0.00025%; no homozygotes.

Submission:

Labcorp Genetics (formerly Invitae), Labcorp
Classification: Uncertain significance. Last evaluated: 2022-10-29. Review status: criteria provided, single submitter. Criteria: Invitae Variant Classification Sherloc (09022015). Collection method: clinical testing. Allele origin: germline.
Comment: In summary, the available evidence is currently insufficient to determine the role of this variant in disease. Therefore, it has been classified as a Variant of Uncertain Significance. Advanced modeling of protein sequence and biophysical properties (such as structural, functional, and spatial information, amino acid conservation, physicochemical variation, residue mobility, and thermodynamic stability) performed at Invitae indicates that this missense variant is not expected to disrupt VAC14 protein function. This variant has not been reported in the literature in individuals affected with VAC14-related conditions. This variant is present in population databases (rs147298983, gnomAD 0.0009%). This sequence change replaces valine, which is neutral and non-polar, with leucine, which is neutral and non-polar, at codon 174 of the VAC14 protein (p.Val174Leu).